The following is an entry in ClinVar:

NM_000228.3(LAMB3):c.499_500del (p.Ser167fs)

Gene: LAMB3 (laminin subunit beta 3; minus strand). Cytogenetic location: 1q32.2.
Variant type: Microsatellite.
Coding change: c.499_500del on transcript NM_000228.3 (MANE Select); coding-DNA positions 499 to 500, 2 bases deleted (AG; older notation c.499_500delAG).
Protein change: p.Ser167fs; shifts the reading frame from serine 167.
Molecular consequence: frameshift variant.
Genome position (GRCh38, 1-based): chr1:209,634,511-209,634,512, CT deleted on the plus strand (AG on the coding strand, the reverse complement: LAMB3 is on the minus strand); deleting any 2 consecutive bases within chr1:209,634,511-209,634,514 gives the same sequence; the c. name uses the placement nearest the transcript's 3' end. VCF-style (leftmost placement, unchanged base first): chr1-209634510-GCT-G. GRCh37 (hg19) VCF-style: chr1-209807855-GCT-G.
Other names: c.499_500del, p.Ser167fs (NM_001017402.2, NM_001127641.1); c.499_500delAG (NM_000228.2); short protein forms S167fs.
Identifiers: ClinVar variation 370111 (VCV000370111.11), dbSNP rs1057516241, ClinGen allele CA16040706.
Genomic context (GRCh38, chr1:209,634,510, plus strand): 5'-CCCCCCATTTAGGCGTGCATTAGGCCTCTGAGGCAGGGACTGGCACCGAACATCCTGCCA[GCT>G]CTGAGGCCGACCCTGGCGGACCCGAGGGAAGGTGGAGGTGCAGTCGGCAGCCAGGTACTG-3'

ClinVar aggregate classification (germline): Pathogenic. Review status: criteria provided, multiple submitters, no conflicts (2 of 4 stars). 3 submissions from 3 submitters: Pathogenic (2). 1 of the submissions does not count toward it. Last evaluated 2021-07-20.

Conditions:
Junctional epidermolysis bullosa gravis of Herlitz. Also called: Herlitz-type junctional epidermolysis bullosa; EPIDERMOLYSIS BULLOSA JUNCTIONALIS, HERLITZ TYPE; EPIDERMOLYSIS BULLOSA, JUNCTIONAL, HERLITZ-PEARSON TYPE; Epidermolysis Bullosa Letalis; JEB-HERLITZ TYPE; EPIDERMOLYSIS BULLOSA, JUNCTIONAL 1B, SEVERE. Identifiers: Orphanet 79404, MedGen C0079683, MONDO:0009182, OMIM 226700.

Submissions (3):

Labcorp Genetics (formerly Invitae), Labcorp
Classification: Pathogenic. Last evaluated: 2021-07-20. Review status: criteria provided, single submitter. Criteria: Invitae Variant Classification Sherloc (09022015). Collection method: clinical testing. Allele origin: germline.
Comment: For these reasons, this variant has been classified as Pathogenic. ClinVar contains an entry for this variant (Variation ID: 370111). This variant has not been reported in the literature in individuals affected with LAMB3-related conditions. This variant is not present in population databases (ExAC no frequency). This sequence change creates a premature translational stop signal (p.Ser167Leufs*14) in the LAMB3 gene. It is expected to result in an absent or disrupted protein product. Loss-of-function variants in LAMB3 are known to be pathogenic (PMID: 11023379, 16473856).

GeneDx
Classification: Pathogenic. Last evaluated: 2021-03-11. Review status: criteria provided, single submitter. Criteria: GeneDx Variant Classification Process June 2021. Collection method: clinical testing. Allele origin: germline. Affected: yes.
Comment: Frameshift variant predicted to result in protein truncation or nonsense mediated decay in a gene for which loss-of-function is a known mechanism of disease; Not observed in large population cohorts (Lek et al., 2016); Has not been previously published as pathogenic or benign to our knowledge

Counsyl
Classification: Likely pathogenic for Junctional epidermolysis bullosa gravis of Herlitz. Last evaluated: 2015-11-19. Review status: no assertion criteria provided. Collection method: clinical testing. Allele origin: unknown. Not counted in ClinVar's aggregate classification.

Literature cited by the submitters: PubMed 11023379 (cited by Labcorp Genetics (formerly Invitae), Labcorp); PubMed 16473856 (cited by Labcorp Genetics (formerly Invitae), Labcorp).